The following is an entry in ClinVar:

NM_006662.3(SRCAP):c.3788T>C (p.Val1263Ala)

Gene: SRCAP (Snf2 related CREBBP activator protein; plus strand). Cytogenetic location: 16p11.2.
Variant type: single nucleotide variant.
Coding change: c.3788T>C on transcript NM_006662.3 (MANE Select); coding-DNA position 3788, T replaced by C.
Protein change: p.Val1263Ala; replaces valine 1263 with alanine.
Molecular consequence: missense variant.
Genome position (GRCh38, 1-based): chr16:30,722,644, T>C. VCF-style: chr16-30722644-T-C. GRCh37 (hg19) VCF-style: chr16-30733965-T-C.
Other names: short protein forms V1263A.
Identifiers: ClinVar variation 1995243 (VCV001995243.4), dbSNP rs2506671612, ClinGen allele CA395614729.

ClinVar aggregate classification (germline): Uncertain significance (1 of 4 stars; one submission).

Submission:

Labcorp Genetics (formerly Invitae), Labcorp
Classification: Uncertain significance. Last evaluated: 2022-05-16. Review status: criteria provided, single submitter. Criteria: Invitae Variant Classification Sherloc (09022015). Collection method: clinical testing. Allele origin: germline.
Comment: This sequence change replaces valine, which is neutral and non-polar, with alanine, which is neutral and non-polar, at codon 1263 of the SRCAP protein (p.Val1263Ala). This variant is not present in population databases (gnomAD no frequency). This variant has not been reported in the literature in individuals affected with SRCAP-related conditions. Algorithms developed to predict the effect of missense changes on protein structure and function are either unavailable or do not agree on the potential impact of this missense change (SIFT: "Deleterious"; PolyPhen-2: "Not Available"; Align-GVGD: "Class C0"). In summary, the available evidence is currently insufficient to determine the role of this variant in disease. Therefore, it has been classified as a Variant of Uncertain Significance.